The following is an entry in ClinVar:

NM_001164508.2(NEB):c.1225C>T (p.Leu409Phe)

Gene: NEB (nebulin; minus strand). Cytogenetic location: 2q23.3.
Variant type: single nucleotide variant.
Coding change: c.1225C>T on transcript NM_001164508.2 (MANE Select); coding-DNA position 1225, C replaced by T.
Protein change: p.Leu409Phe; replaces leucine 409 with phenylalanine.
Molecular consequence: missense variant.
Genome position (GRCh38, 1-based): chr2:151,697,576, G>A on the plus strand (C>T on the coding strand, the complement: NEB is on the minus strand). VCF-style: chr2-151697576-G-A. GRCh37 (hg19) VCF-style: chr2-152554090-G-A.
Other names: c.1225C>T, p.Leu409Phe (NM_001164507.2, NM_001271208.2, NM_004543.5); c.1225C>T (NM_004543.4); short protein forms L409F.
Identifiers: ClinVar variation 465444 (VCV000465444.10), dbSNP rs373883986, ClinGen allele CA1911652.

ClinVar aggregate classification (germline): Uncertain significance. Review status: criteria provided, multiple submitters, no conflicts (2 of 4 stars). 4 submissions from 4 submitters: Uncertain significance (3). 1 of the submissions does not count toward it. Last evaluated 2025-07-01.

Conditions:
Inborn genetic diseases. Identifiers: MedGen C0950123, MeSH D030342.
Nemaline myopathy 2 (NEM2). Also called: Nemaline myopathy 2, autosomal recessive. Identifiers: MedGen C1850569, MONDO:0009725, OMIM 256030.

Allele frequency attached by ClinVar (database versions not stated): gnomAD 0.00001; gnomAD exomes 0.00001; TOPMed 0.00001; ExAC 0.00002; ESP Exome Variant Server 0.00008.
gnomAD v4.1: 18 of 1,613,172 alleles (0.0011%); highest among the groups gnomAD compares: Admixed American, 0.0017%; no homozygotes.

Submissions (4):

Ambry Genetics
Classification: Uncertain significance for Inborn genetic diseases. Last evaluated: 2025-07-01. Review status: criteria provided, single submitter. Criteria: Ambry Variant Classification Scheme 2023. Collection method: clinical testing. Allele origin: germline.

Labcorp Genetics (formerly Invitae), Labcorp
Classification: Uncertain significance for Nemaline myopathy 2. Last evaluated: 2022-06-20. Review status: criteria provided, single submitter. Criteria: Invitae Variant Classification Sherloc (09022015). Collection method: clinical testing. Allele origin: germline.
Comment: This sequence change replaces leucine, which is neutral and non-polar, with phenylalanine, which is neutral and non-polar, at codon 409 of the NEB protein (p.Leu409Phe). This variant is present in population databases (rs373883986, gnomAD 0.003%). This variant has not been reported in the literature in individuals affected with NEB-related conditions. ClinVar contains an entry for this variant (Variation ID: 465444). Algorithms developed to predict the effect of missense changes on protein structure and function are either unavailable or do not agree on the potential impact of this missense change (SIFT: "Deleterious"; PolyPhen-2: "Not Available"; Align-GVGD: "Class C0"). In summary, the available evidence is currently insufficient to determine the role of this variant in disease. Therefore, it has been classified as a Variant of Uncertain Significance.

GeneDx
Classification: Uncertain significance. Last evaluated: 2022-02-25. Review status: criteria provided, single submitter. Criteria: GeneDx Variant Classification Process June 2021. Collection method: clinical testing. Allele origin: germline. Affected: yes.
Comment: Not observed at a significant frequency in large population cohorts (gnomAD); In silico analysis supports that this missense variant does not alter protein structure/function; Has not been previously published as pathogenic or benign to our knowledge

Natera, Inc.
Classification: Uncertain significance for Nemaline myopathy type 2. Last evaluated: 2019-11-11. Review status: no assertion criteria provided. Collection method: clinical testing. Allele origin: germline. Not counted in ClinVar's aggregate classification.